The following is an entry in ClinVar:

NM_000168.6(GLI3):c.2308G>T (p.Ala770Ser)

Gene: GLI3 (GLI family zinc finger 3; minus strand). Cytogenetic location: 7p14.1.
Variant type: single nucleotide variant.
Coding change: c.2308G>T on transcript NM_000168.6 (MANE Select); coding-DNA position 2308, G replaced by T.
Protein change: p.Ala770Ser; replaces alanine 770 with serine.
Molecular consequence: missense variant.
Genome position (GRCh38, 1-based): chr7:41,967,719, C>A on the plus strand (G>T on the coding strand, the complement: GLI3 is on the minus strand). VCF-style: chr7-41967719-C-A. GRCh37 (hg19) VCF-style: chr7-42007317-C-A.
Other names: c.2308G>T (NM_000168.5); short protein forms A770S.
Identifiers: ClinVar variation 1611841 (VCV001611841.12), dbSNP rs1355649064, ClinGen allele CA367321361.
Genomic context (GRCh38, chr7:41,967,719, plus strand): 5'-ACATTCCATTCACTTGTTTTAGCCTTTCTAGTTTTACGTGCTCCATCCATTTGGTCCCTG[C>A]CGGGTTTCTCCTGGCTTGCAAAGCAAGGGCTGTGGTTGCAGTGGAAATGGTTGAGTCCAT-3'
Protein context (NP_000159.3, residues 760-780): ALALQARRNP[Ala770Ser]GTKWMEHVKL

ClinVar aggregate classification (germline): Conflicting classifications of pathogenicity. Review status: criteria provided, conflicting classifications (1 of 4 stars). 4 submissions from 4 submitters: Uncertain significance (3); Benign (1). Last evaluated 2024-05-22.

Conditions:
Greig cephalopolysyndactyly syndrome (GCPS). Also called: Greig syndrome; POLYSYNDACTYLY WITH PECULIAR SKULL SHAPE; GLI3-Related Greig Cephalopolysyndactyly Syndrome. Identifiers: Orphanet 380, MedGen C0265306, MONDO:0008287, OMIM 175700.
Pallister-Hall syndrome (PHS). Also called: HYPOTHALAMIC HAMARTOBLASTOMA, HYPOPITUITARISM, IMPERFORATE ANUS, AND POSTAXIAL POLYDACTYLY; GLI3-Related Pallister-Hall Syndrome. Identifiers: Orphanet 672, MedGen C0265220, MONDO:0007804, OMIM 146510.
Polydactyly, postaxial, type A1. Identifiers: MedGen C4282400, MONDO:0008266, OMIM 174200.
Polysyndactyly 4. Also called: Polysyndactyly uncomplicated; Preaxial polydactyly 4. Identifiers: Orphanet 93338, MedGen C1868111, MONDO:0008272, OMIM 174700.

Allele frequency attached by ClinVar (database versions not stated): gnomAD exomes below 0.00001; TOPMed 0.00001.
gnomAD v4.1: 2 of 1,614,192 alleles (0.00012%); highest among the groups gnomAD compares: Admixed American, 0.0033%; no homozygotes.

Submissions (4):

Fulgent Genetics
Classification: Uncertain significance for Pallister-Hall syndrome; Polydactyly, postaxial, type A1; Polysyndactyly 4; Greig cephalopolysyndactyly syndrome. Last evaluated: 2024-05-22. Review status: criteria provided, single submitter. Criteria: ACMG Guidelines, 2015. Collection method: clinical testing. Allele origin: germline.

Women's Health and Genetics/Laboratory Corporation of America, LabCorp
Classification: Uncertain significance. Last evaluated: 2024-03-14. Review status: criteria provided, single submitter. Criteria: LabCorp Variant Classification Summary - May 2015. Collection method: clinical testing. Allele origin: germline.
Comment: Variant summary: GLI3 c.2308G>T (p.Ala770Ser) results in a conservative amino acid change in the encoded protein sequence. Four of five in-silico tools predict a benign effect of the variant on protein function. The variant allele was found at a frequency of 4e-06 in 251494 control chromosomes. The available data on variant occurrences in the general population are insufficient to allow any conclusion about variant significance. To our knowledge, no occurrence of c.2308G>T in individuals affected with Greig Cephalopolysyndactyly Syndrome and no experimental evidence demonstrating its impact on protein function have been reported. ClinVar contains an entry for this variant (Variation ID: 1611841). Based on the evidence outlined above, the variant was classified as uncertain significance.

GeneDx
Classification: Uncertain significance. Last evaluated: 2023-10-20. Review status: criteria provided, single submitter. Criteria: GeneDx Variant Classification Process June 2021. Collection method: clinical testing. Allele origin: germline. Affected: yes.
Comment: In silico analysis supports that this missense variant does not alter protein structure/function; Has not been previously published as pathogenic or benign to our knowledge

Labcorp Genetics (formerly Invitae), Labcorp
Classification: Benign for Pallister-Hall syndrome; Greig cephalopolysyndactyly syndrome. Last evaluated: 2022-02-03. Review status: criteria provided, single submitter. Criteria: Invitae Variant Classification Sherloc (09022015). Collection method: clinical testing. Allele origin: germline.